The following is an entry in ClinVar:

NM_005548.3(KARS1):c.1677G>A (p.Thr559=)

Gene: KARS1 (lysyl-tRNA synthetase 1; minus strand). Cytogenetic location: 16q23.1.
Variant type: single nucleotide variant.
Coding change: c.1677G>A on transcript NM_005548.3 (MANE Select); coding-DNA position 1677, G replaced by A.
Protein change: p.Thr559=; no amino-acid change (threonine 559 retained).
Molecular consequence: synonymous variant.
Genome position (GRCh38, 1-based): chr16:75,628,587, C>T on the plus strand (G>A on the coding strand, the complement: KARS1 is on the minus strand). VCF-style: chr16-75628587-C-T. GRCh37 (hg19) VCF-style: chr16-75662485-C-T.
Other names: c.1761G>A, p.Thr587= (NM_001130089.2); c.1209G>A, p.Thr403= (NM_001378148.1).
Identifiers: ClinVar variation 505417 (VCV000505417.6), dbSNP rs765014185, ClinGen allele CA284315923.
Genomic context (GRCh38, chr16:75,628,587, plus strand): 5'-AGCTTCCTCAGGAAGTGTGCTCTGTGGAGGGTTGCTACGTACCTTGATGTTGTTGGAGTC[C>T]GTGAGAAACATGGCGACTCGATCAATGCCCATGCCCCAGCCAGCTGTGGGGGGCAGCCCA-3'
Protein context (NP_005539.1, residues 549-569): MGIDRVAMFL[Thr559=]DSNNIKEVLL

ClinVar aggregate classification (germline): Likely benign. Review status: criteria provided, multiple submitters, no conflicts (2 of 4 stars). 3 submissions from 3 submitters: Likely benign (3). Last evaluated 2025-11-11.

Conditions:
KARS1-related disorder. Also called: KARS1-related disorders.

Allele frequency attached by ClinVar (database versions not stated): gnomAD 0.00001; TOPMed 0.00002.
gnomAD v4.1: 7 of 1,613,822 alleles (0.00043%); highest among the groups gnomAD compares: South Asian, 0.0044%; no homozygotes.

Submissions (3):

PreventionGenetics, part of Exact Sciences
Classification: Likely benign for KARS1-related condition. Last evaluated: 2025-11-11. Review status: criteria provided, single submitter. Criteria: ACMG Guidelines, 2015. Collection method: clinical testing. Allele origin: germline.
Comment: This variant is classified as likely benign based on ACMG/AMP sequence variant interpretation guidelines (Richards et al. 2015 PMID: 25741868, with internal and published modifications).

Labcorp Genetics (formerly Invitae), Labcorp
Classification: Likely benign. Last evaluated: 2025-10-08. Review status: criteria provided, single submitter. Criteria: Invitae Variant Classification Sherloc (09022015). Collection method: clinical testing. Allele origin: germline.

Laboratory for Molecular Medicine, Mass General Brigham Personalized Medicine
Classification: Likely benign. Last evaluated: 2016-11-01. Review status: criteria provided, single submitter. Criteria: LMM Criteria. Collection method: clinical testing. Allele origin: germline. Observed: 1 variant allele.
Comment: p.Thr597Thr in exon 14 of KARS: This variant is not expected to have clinical si gnificance because it does not alter an amino acid residue and is not located wi thin the splice consensus sequence. It has been identified in 1/30900 South Asia n chromosomes by the Genome Aggregation Database (gnomAD).